The following is an entry in ClinVar:

NM_182916.3(TRNT1):c.1278A>C (p.Glu426Asp)

Gene: TRNT1 (tRNA nucleotidyl transferase 1; plus strand). Cytogenetic location: 3p26.2.
Variant type: single nucleotide variant.
Coding change: c.1278A>C on transcript NM_182916.3 (MANE Select); coding-DNA position 1278, A replaced by C.
Protein change: p.Glu426Asp; replaces glutamic acid 426 with aspartic acid.
Molecular consequence: missense variant. On other transcripts: non-coding transcript variant (8).
Genome position (GRCh38, 1-based): chr3:3,148,127, A>C. VCF-style: chr3-3148127-A-C. GRCh37 (hg19) VCF-style: chr3-3189811-A-C.
Other names: c.1218A>C, p.Glu406Asp (NM_001302946.2); c.1278A>C, p.Glu426Asp (NM_001367321.1, NM_001367322.1, NM_001367323.1); short protein forms E406D, E426D.
Identifiers: ClinVar variation 846912 (VCV000846912.5), dbSNP rs770832123, ClinGen allele CA2228933.

ClinVar aggregate classification (germline): Uncertain significance. Review status: criteria provided, multiple submitters, no conflicts (2 of 4 stars). 2 submissions from 2 submitters: Uncertain significance (2). Last evaluated 2024-12-16.

Conditions:
Congenital sideroblastic anemia-B-cell immunodeficiency-periodic fever-developmental delay syndrome. Also called: Sideroblastic anemia with B-cell immunodeficiency, periodic fevers, and developmental delay. Identifiers: Orphanet 369861, MedGen C4015172, MONDO:0014487, OMIM 616084.
Inborn genetic diseases. Identifiers: MedGen C0950123, MeSH D030342.

Allele frequency attached by ClinVar (database versions not stated): gnomAD exomes 0.00001 and 0.00002; ExAC 0.00002.
gnomAD v4.1: 8 of 1,613,604 alleles (0.0005%); highest among the groups gnomAD compares: South Asian, 0.0077%; no homozygotes.

Submissions (2):

Ambry Genetics
Classification: Uncertain significance for Inborn genetic diseases. Last evaluated: 2024-12-16. Review status: criteria provided, single submitter. Criteria: Ambry Variant Classification Scheme 2023. Collection method: clinical testing. Allele origin: germline.

Labcorp Genetics (formerly Invitae), Labcorp
Classification: Uncertain significance for Congenital sideroblastic anemia-B-cell immunodeficiency-periodic fever-developmental delay syndrome. Last evaluated: 2021-08-27. Review status: criteria provided, single submitter. Criteria: Invitae Variant Classification Sherloc (09022015). Collection method: clinical testing. Allele origin: germline.
Comment: This sequence change replaces glutamic acid with aspartic acid at codon 426 of the TRNT1 protein (p.Glu426Asp). The glutamic acid residue is highly conserved and there is a small physicochemical difference between glutamic acid and aspartic acid. This variant is present in population databases (rs770832123, ExAC 0.01%). This variant has not been reported in the literature in individuals affected with TRNT1-related conditions. Algorithms developed to predict the effect of missense changes on protein structure and function (SIFT, PolyPhen-2, Align-GVGD) all suggest that this variant is likely to be tolerated. In summary, the available evidence is currently insufficient to determine the role of this variant in disease. Therefore, it has been classified as a Variant of Uncertain Significance.